The following is an entry in ClinVar:

NM_021020.5(LZTS1):c.1316C>G (p.Ala439Gly)

Gene: LZTS1 (leucine zipper tumor suppressor 1; minus strand). Cytogenetic location: 8p21.3.
Variant type: single nucleotide variant.
Coding change: c.1316C>G on transcript NM_021020.5 (MANE Select); coding-DNA position 1316, C replaced by G.
Protein change: p.Ala439Gly; replaces alanine 439 with glycine.
Molecular consequence: missense variant.
Genome position (GRCh38, 1-based): chr8:20,250,197, G>C on the plus strand (C>G on the coding strand, the complement: LZTS1 is on the minus strand). VCF-style: chr8-20250197-G-C. GRCh37 (hg19) VCF-style: chr8-20107708-G-C.
Other names: c.1316C>G, p.Ala439Gly (NM_001362884.2); short protein forms A439G.
Identifiers: ClinVar variation 2912200 (VCV002912200.3), dbSNP rs778836538, ClinGen allele CA4657305.
Genomic context (GRCh38, chr8:20,250,197, plus strand): 5'-TTCTTCTTGCGCTGCAGCTCATTCTCACAGACCTCCAGCTCCAGGCCCTTGGTGCGCAGG[G>C]CGCCCTCCAGGTCCTGGGTCCTCAGCTCCAGGCCCTCCAGCTTGCCCCGCGTGTCCTTCA-3'
Protein context (NP_066300.1, residues 429-449): LELRTQDLEG[Ala439Gly]LRTKGLELEV

ClinVar aggregate classification (germline): Uncertain significance (1 of 4 stars; one submission).

Allele frequency attached by ClinVar (database versions not stated): gnomAD 0.00001; ExAC 0.00003.
gnomAD v4.1: 26 of 1,611,012 alleles (0.0016%); highest among the groups gnomAD compares: South Asian, 0.029%; no homozygotes.

Submission:

Labcorp Genetics (formerly Invitae), Labcorp
Classification: Uncertain significance. Last evaluated: 2023-03-22. Review status: criteria provided, single submitter. Criteria: Invitae Variant Classification Sherloc (09022015). Collection method: clinical testing. Allele origin: germline.
Comment: This sequence change replaces alanine, which is neutral and non-polar, with glycine, which is neutral and non-polar, at codon 439 of the LZTS1 protein (p.Ala439Gly). This variant is present in population databases (rs778836538, gnomAD 0.03%). This variant has not been reported in the literature in individuals affected with LZTS1-related conditions. Advanced modeling of protein sequence and biophysical properties (such as structural, functional, and spatial information, amino acid conservation, physicochemical variation, residue mobility, and thermodynamic stability) performed at Invitae indicates that this missense variant is not expected to disrupt LZTS1 protein function. In summary, the available evidence is currently insufficient to determine the role of this variant in disease. Therefore, it has been classified as a Variant of Uncertain Significance.